The following is an entry in ClinVar:

ClinVar aggregate classification (germline): Likely pathogenic (1 of 4 stars; one submission).

Conditions:
Intellectual developmental disorder, X-linked, syndromic, Billuart type. Also called: MENTAL RETARDATION, X-LINKED 60; X-linked intellectual disability-cerebellar hypoplasia syndrome. Identifiers: Orphanet 137831, MedGen C1845366, MONDO:0010337, OMIM 300486.

Submission:

Dasa
Classification: Likely pathogenic for Intellectual developmental disorder, X-linked, syndromic, Billuart type. Last evaluated: 2025-07-11. Review status: criteria provided, single submitter. Criteria: DASA Assertion Criteria. Collection method: clinical testing. Allele origin: germline.
Comment: NM_002547.3(OPHN1):c.2106del (p.Ser703Leufs*4) is a frameshift variant in OPHN1 predicted to alter the reading frame and introduce a premature termination codon and is predicted to result in an absent or altered protein product. Loss of function is an established disease mechanism for OPHN1 (PMID: 16221952; PMID: 20528889; PMID: 24817631). Also, this variant is absent from population databases. Based on the currently available evidence, this variant is classified as likely pathogenic.

Literature cited by the submitters: PubMed 16221952; PubMed 20528889; PubMed 24817631.

NM_002547.3(OPHN1):c.2106del (p.Ser703fs)

Gene: OPHN1 (oligophrenin 1; minus strand). Cytogenetic location: Xq12.
Variant type: Deletion.
Coding change: c.2106del on transcript NM_002547.3 (MANE Select); coding-DNA position 2106, one base deleted (C; older notation c.2106delC).
Protein change: p.Ser703fs; shifts the reading frame from serine 703.
Molecular consequence: frameshift variant. On other transcripts: intron variant (1).
Genome position (GRCh38, 1-based): chrX:68,063,906, G deleted on the plus strand (C on the coding strand, the reverse complement: OPHN1 is on the minus strand); the first of 5 consecutive G bases (chrX:68,063,906-68,063,910); deleting any one gives the same sequence. VCF-style (leftmost placement, unchanged base first): chrX-68063905-AG-A. GRCh37 (hg19) VCF-style: chrX-67283747-AG-A.
Other names: c.1834+9246del (NM_001437258.1); short protein forms S703fs.
Identifiers: ClinVar variation 4880559 (VCV004880559.2).